The following is an entry in ClinVar:

NM_001283009.2(RTEL1):c.3217T>A (p.Ser1073Thr)

Genes: RTEL1 (regulator of telomere elongation helicase 1; plus strand), RTEL1-TNFRSF6B (RTEL1-TNFRSF6B readthrough (NMD candidate); plus strand). Cytogenetic location: 20q13.33.
Variant type: single nucleotide variant.
Coding change: c.3217T>A on transcript NM_001283009.2 (MANE Select); coding-DNA position 3217, T replaced by A.
Protein change: p.Ser1073Thr; replaces serine 1073 with threonine.
Molecular consequence: missense variant. On other transcripts: non-coding transcript variant (1).
Genome position (GRCh38, 1-based): chr20:63,694,848, T>A. VCF-style: chr20-63694848-T-A. GRCh37 (hg19) VCF-style: chr20-62326201-T-A.
Other names: c.2548T>A, p.Ser850Thr (NM_001283010.1); c.3217T>A, p.Ser1073Thr (NM_016434.4); c.3289T>A, p.Ser1097Thr (NM_032957.5); short protein forms S1073T, S1097T, S850T.
Identifiers: ClinVar variation 4629597 (VCV004629597.1).

ClinVar aggregate classification (germline): Uncertain significance (1 of 4 stars; one submission).

Conditions:
Inborn genetic diseases. Identifiers: MedGen C0950123, MeSH D030342.

gnomAD v4.1: 1 of 1,612,208 alleles (0.000062%); highest among the groups gnomAD compares: Admixed American, 0.0017%; no homozygotes.

Submission:

Ambry Genetics
Classification: Uncertain significance for Inborn genetic diseases. Last evaluated: 2025-11-09. Review status: criteria provided, single submitter. Criteria: Ambry Variant Classification Scheme 2023. Collection method: clinical testing. Allele origin: germline.
Comment: The p.S1073T variant (also known as c.3217T>A), located in coding exon 31 of the RTEL1 gene, results from a T to A substitution at nucleotide position 3217. The serine at codon 1073 is replaced by threonine, an amino acid with similar properties. This amino acid position is conserved. In addition, this alteration is predicted to be tolerated by in silico analysis. Based on the available evidence, the clinical significance of this variant remains unclear.